The following is an entry in ClinVar:

NM_001042492.3(NF1):c.3610C>G (p.Arg1204Gly)

Gene: NF1 (neurofibromin 1; plus strand). Cytogenetic location: 17q11.2.
Variant type: single nucleotide variant.
Coding change: c.3610C>G on transcript NM_001042492.3 (MANE Select); coding-DNA position 3610, C replaced by G.
Protein change: p.Arg1204Gly; replaces arginine 1204 with glycine.
Molecular consequence: missense variant.
Genome position (GRCh38, 1-based): chr17:31,233,115, C>G. VCF-style: chr17-31233115-C-G. GRCh37 (hg19) VCF-style: chr17-29560133-C-G.
Other names: c.3610C>G, p.Arg1204Gly (NM_000267.4); short protein forms R1204G.
Identifiers: ClinVar variation 68337 (VCV000068337.28), dbSNP rs199474732, ClinGen allele CA219530.
Genomic context (GRCh38, chr17:31,233,115, plus strand): 5'-ACAAAAATCCTTCAACAAGGCACAGAATTTGACACACTTGCAGAAACAGTATTGGCTGAT[C>G]GGTTTGAGAGATTGGTGGAACTGGTCACAATGATGGGTGATCAAGGAGAACTCCCTATAG-3'
Protein context (NP_001035957.1, residues 1194-1214): DTLAETVLAD[Arg1204Gly]FERLVELVTM

ClinVar aggregate classification (germline): Pathogenic/Likely pathogenic. Review status: criteria provided, multiple submitters, no conflicts (2 of 4 stars). 16 submissions from 16 submitters: Pathogenic (11); Likely pathogenic (2). 3 of the submissions do not count toward it. Last evaluated 2026-03-13.

Conditions:
Neurofibromatosis, type 1 (NF1). Also called: VON RECKLINGHAUSEN DISEASE; NEUROFIBROMATOSIS, TYPE I, SOMATIC; Peripheral type neurofibromatosis; Neurofibromatosis, type I. Identifiers: Orphanet 636, MedGen C0027831, MONDO:0018975, OMIM 162200. Disease mechanism: loss of function.
Pigmentary skin disorders.
NF1-related disorder. Also called: NF1-related condition. Identifiers: MedGen CN379171.
Cardiovascular phenotype. Identifiers: MedGen CN230736.
Hereditary cancer-predisposing syndrome. Also called: Neoplastic Syndromes, Hereditary; Hereditary Cancer Syndrome; Tumor predisposition; Hereditary neoplastic syndrome. Identifiers: Orphanet 140162, MedGen C0027672, MeSH D009386, MONDO:0015356.

Allele frequency attached by ClinVar (database versions not stated): gnomAD exomes below 0.00001.
gnomAD v4.1: 2 of 1,614,012 alleles (0.00012%); highest among the groups gnomAD compares: Non-Finnish European, 0.000085%; no homozygotes.

Submissions 1 to 8 of 16:

Genetics Laboratory, Great Ormond Street Hospital NHS Foundation Trust, North Thames Genomic Laboratory Hub
Classification: Pathogenic for Pigmentary skin disorders. Last evaluated: 2026-03-13. Review status: criteria provided, single submitter. Criteria: ACGS Best Practice Guidelines for Variant Classification in Rare Disease 2024 v1.2. Collection method: clinical testing. Allele origin: germline. Affected: yes.
Comment: PS4_moderate, PM2_moderate, PP3_supporting, PM5_moderate, PS3_supporting, PM6_moderate

Labcorp Genetics (formerly Invitae), Labcorp
Classification: Pathogenic for Neurofibromatosis, type 1. Last evaluated: 2025-09-10. Review status: criteria provided, single submitter. Criteria: Invitae Variant Classification Sherloc (09022015). Collection method: clinical testing. Allele origin: germline.
Comment: This sequence change replaces arginine, which is basic and polar, with glycine, which is neutral and non-polar, at codon 1204 of the NF1 protein (p.Arg1204Gly). This variant is present in population databases (rs199474732, gnomAD 0.004%). This missense change has been observed in individual(s) with neurofibromatosis type 1 (PMID: 10336779, 26635368, 27322474; internal data). In at least one individual the variant was observed to be de novo. Invitae Evidence Modeling of clinical and family history, age, sex, and reported ancestry of multiple individuals with this NF1 variant has been performed. This variant is expected to be pathogenic with a positive predictive value of at least 99%. This is a validated machine learning model that incorporates the clinical features of 1,785,918 individuals referred to our laboratory for NF1 testing. ClinVar contains an entry for this variant (Variation ID: 68337). Invitae Evidence Modeling of protein sequence and biophysical properties (such as structural, functional, and spatial information, amino acid conservation, physicochemical variation, residue mobility, and thermodynamic stability) indicates that this missense variant is expected to disrupt NF1 protein function with a positive predictive value of 95%. Experimental studies have shown that this missense change affects NF1 function (PMID: 22807134). For these reasons, this variant has been classified as Pathogenic.

Variantyx, Inc.
Classification: Pathogenic for Neurofibromatosis, type 1. Last evaluated: 2025-07-15. Review status: criteria provided, single submitter. Criteria: Variantyx Assertion Criteria 2022. Collection method: clinical testing. Allele origin: de novo. Inheritance: Autosomal dominant inheritance. Affected: yes.
Comment: This is a nonsynonymous variant in the NF1 gene (OMIM: 613113). Pathogenic variants in this gene have been associated with autosomal dominant neurofibromatosis type 1. This variant has been reported in at least 2 unrelated affected individuals (PMID: 27322474, 31370276) (PS4_Moderate). Computational algorithms produce conflicting evidence regarding the predicted functional impact of this variant (REVEL score: 0.571), but functional studies have shown that this variant alters NF1 protein function (PMID: 22807134, 26635368) (PS3_Moderate). Mreover, several alternate amino acid changes at this position (p.Arg1204Leu, p.Arg1204Trp, p.Arg1204Gln) have been previously reported in similarly affected individuals, which suggests that this residue is biologically important (PMID: 10607834, 22807134, 26635368) (PM5). This variant has a 0.0001% maximum allele frequency in non-founder control populations (PM2). Based on the current evidence, this variant is classified as pathogenic for autosomal dominant neurofibromatosis type 1.

3billion
Classification: Pathogenic for Neurofibromatosis, type 1. Last evaluated: 2025-01-08. Review status: criteria provided, single submitter. Criteria: ACMG Guidelines, 2015. Collection method: clinical testing. Allele origin: germline. Affected: yes.
Comment: The variant is observed at an extremely low frequency in the gnomAD v4.1.0 dataset (total allele frequency: <0.001%). Predicted Consequence/Location: The variant is located in a mutational hot spot and/or well-established functional domain in which established pathogenic variants have been reported (PMID: 22807134). In silico tool predictions suggest damaging effect of the variant on gene or gene product [REVEL: 0.57 (>=0.6, sensitivity 0.68 and specificity 0.92); 3Cnet: 0.99 (>=0.6, sensitivity 0.72 and precision 0.9)]. The same nucleotide change resulting in the same amino acid change has been previously reported as pathogenic/likely pathogenic with strong evidence (ClinVar ID: VCV000068337 /PMID: 10336779). Different missense changes at the same codon (p.Arg1204Gln, p.Arg1204Leu, p.Arg1204Trp) have been reported as pathogenic/likely pathogenic with strong evidence (ClinVar ID: VCV000068338, VCV000384082, VCV000823990 /PMID: 10607834). Therefore, this variant is classified as Pathogenic according to the recommendation of ACMG/AMP guideline.

Blueprint Genetics
Classification: Pathogenic for NF1-related disorders. Last evaluated: 2024-02-08. Review status: criteria provided, single submitter. Criteria: ACMG Guidelines, 2015. Collection method: clinical testing. Allele origin: germline. Affected: yes. Observed: 5 variant alleles.

Ambry Genetics
Classification: Pathogenic for Cardiovascular phenotype; Hereditary cancer-predisposing syndrome. Last evaluated: 2023-10-15. Review status: criteria provided, single submitter. Criteria: Ambry Variant Classification Scheme 2023. Collection method: clinical testing. Allele origin: germline.
Comment: The p.R1204G variant (also known as c.3610C>G), located in coding exon 27 of the NF1 gene, results from a C to G substitution at nucleotide position 3610. The arginine at codon 1204 is replaced by glycine, an amino acid with dissimilar properties. This alteration has been identified an individual meeting NF1 diagnostic criteria (Krkljus S et al. Hum. Mutat., 1998;11:411). This variant has also been detected de novo in multiple unrelated individuals with NF1 (Hirata Y et al. J. Biol. Chem., 2016 Feb;291:3124-34). Experimental studies indicate that this variant will disrupt protein function (Thomas L et al. Hum. Mutat., 2012 Dec;33:1687-96). A different alteration at the same amino acid position, p.R1204W, has been identified in an individual meeting NF1 diagnostic criteria (Ars E et al. Hum. Mol. Genet., 2000 Jan;9:237-47). This amino acid position is highly conserved in available vertebrate species. In addition, this alteration is predicted to be deleterious by in silico analysis. Based on the available evidence, this variant is classified as a pathogenic mutation.

GeneDx
Classification: Pathogenic. Last evaluated: 2023-10-13. Review status: criteria provided, single submitter. Criteria: GeneDx Variant Classification Process June 2021. Collection method: clinical testing. Allele origin: germline. Affected: yes.
Comment: Published functional studies support a damaging effect: significant reduction in GTPase activity and mild reduction of interaction with SPRED1 (Thomas et al., 2012; Hirata et al., 2016); In silico analysis supports that this missense variant has a deleterious effect on protein structure/function; This variant is associated with the following publications: (PMID: 27322474, 22807134, 26633542, 26635368, 24803665, 10712197, 10336779, 23447461, 31370276, 31766501, 25486365)

New York Genome Center
Classification: Pathogenic for Neurofibromatosis, type 1. Last evaluated: 2023-06-07. Review status: criteria provided, single submitter. Criteria: NYGC Assertion Criteria 2020. Collection method: clinical testing. Allele origin: de novo. Observed: 1 heterozygote.
Comment: The de novo c.3610C>G p.(Arg1204Gly) missense variant identified in NF1 has been reported in the literature in multiple individuals with Neurofibromatosis Type 1 [PMID: 10336779, 22807134; 31370276]. The c.3610C>G variant has been deposited in ClinVar as Likely Pathogenic/Pathogenic bymultiple submitters [ClinVar ID: 68337], is absent from the gnomAD v3.1.2 and TOPMed Freeze 8 databases and has an allele frequency of 0.000003978 in the gnomAD v2.1.1 database, suggesting it is not a common benign variant in the populations represented in those databases. The c.3610C>G variant is located in exon27 of this 58-exon gene and is predicted to replace a highly conserved arginine with glycine at position 1204 of the encoded protein. In silico predictions neither support or refute a damaging effect [REVEL 0.571], but functional studies conducted in vitro have shown association with significantly elevated levels of activatedGTP-bound Ras by comparison with the wild-type NF1 protein [PMID: 22807134]. Three other variants at the same codon, p.(Arg1204Trp), p.(Arg1204Leu) andp.(Arg1204Gln), have also been reported [PMID: 22807134, 26635368]. Based on the available evidence, the de novo c.3610C>G p.(Arg1204Gly)missense variant identified in the NF1 gene is reported as Pathogenic.